The following is an entry in ClinVar:

NM_005245.4(FAT1):c.8666C>T (p.Ala2889Val)

Genes: FAT1 (FAT atypical cadherin 1; minus strand), LOC126807255 (BRD4-independent group 4 enhancer GRCh37_chr4:187538202-187539401; plus strand). Cytogenetic location: 4q35.2.
Variant type: single nucleotide variant.
Coding change: c.8666C>T on transcript NM_005245.4 (MANE Select); coding-DNA position 8666, C replaced by T.
Protein change: p.Ala2889Val; replaces alanine 2889 with valine.
Molecular consequence: missense variant.
Genome position (GRCh38, 1-based): chr4:186,617,920, G>A on the plus strand (C>T on the coding strand, the complement: FAT1 is on the minus strand). VCF-style: chr4-186617920-G-A. GRCh37 (hg19) VCF-style: chr4-187539074-G-A.
Other names: short protein forms A2889V.
Identifiers: ClinVar variation 2655222 (VCV002655222.24), dbSNP rs368599389, ClinGen allele CA112154667.
Genomic context (GRCh38, chr4:186,617,920, plus strand): 5'-GTGACGGTAACATCCACAATGGCTGTGGAGGATAGCTGGATCTTTTCACCATGATCTGAT[G>A]CAACCACTTTAATCTGGTAATTGTCTCTCTTTTCATGGTCAAGTTCCTTTAAAGTTGTAA-3'
Protein context (NP_005236.2, residues 2879-2899): KRDNYQIKVV[Ala2889Val]SDHGEKIQLS

ClinVar aggregate classification (germline): Uncertain significance (1 of 4 stars; one submission).

Allele frequency attached by ClinVar (database versions not stated): gnomAD exomes below 0.00001; TOPMed below 0.00001; gnomAD 0.00001; ESP Exome Variant Server 0.00008.
gnomAD v4.1: 3 of 1,613,880 alleles (0.00019%); highest among the groups gnomAD compares: Admixed American, 0.0017%; no homozygotes.

Submission:

CeGaT Center for Human Genetics Tuebingen
Classification: Uncertain significance. Last evaluated: 2022-08-01. Review status: criteria provided, single submitter. Criteria: CeGaT Center For Human Genetics Tuebingen Variant Classification Criteria Version 2. Collection method: clinical testing. Allele origin: germline. Affected: yes. Observed: 1 variant allele.
Comment: FAT1: PM2